The following is an entry in ClinVar:

NM_017617.5(NOTCH1):c.5719C>T (p.Pro1907Ser)

Gene: NOTCH1 (notch receptor 1; minus strand). Cytogenetic location: 9q34.3.
Variant type: single nucleotide variant.
Coding change: c.5719C>T on transcript NM_017617.5 (MANE Select); coding-DNA position 5719, C replaced by T.
Protein change: p.Pro1907Ser; replaces proline 1907 with serine.
Molecular consequence: missense variant.
Genome position (GRCh38, 1-based): chr9:136,500,767, G>A on the plus strand (C>T on the coding strand, the complement: NOTCH1 is on the minus strand). VCF-style: chr9-136500767-G-A. GRCh37 (hg19) VCF-style: chr9-139395219-G-A.
Other names: short protein forms P1907S.
Identifiers: ClinVar variation 4753651 (VCV004753651.1).
Genomic context (GRCh38, chr9:136,500,767, plus strand): 5'-TGCGGTCTGTCTGGTTGTGCAGGCTGGCGCCCTGGTAGATGAAGTCGGAGATGACGGCCG[G>A]CGCGTCCTCCTCTTCCTCGCTGTTGCCCGTCTCCAGGCCGCCCCCGCTGCAGGAGGCGAT-3'
Protein context (NP_060087.3, residues 1897-1917): TGNSEEEEDA[Pro1907Ser]AVISDFIYQG

ClinVar aggregate classification (germline): Uncertain significance (1 of 4 stars; one submission).

Conditions:
Adams-Oliver syndrome 5 (AOS5). Identifiers: Orphanet 974, MedGen C4014970, MONDO:0014459, OMIM 616028.

gnomAD v4.1: 2 of 1,603,890 alleles (0.00012%); highest among the groups gnomAD compares: Non-Finnish European, 0.000085%; no homozygotes.

Submission:

Labcorp Genetics (formerly Invitae), Labcorp
Classification: Uncertain significance for Adams-Oliver syndrome 5. Last evaluated: 2025-09-04. Review status: criteria provided, single submitter. Criteria: Invitae Variant Classification Sherloc (09022015). Collection method: clinical testing. Allele origin: germline.
Comment: This sequence change replaces proline, which is neutral and non-polar, with serine, which is neutral and polar, at codon 1907 of the NOTCH1 protein (p.Pro1907Ser). This variant is not present in population databases (gnomAD no frequency). This variant has not been reported in the literature in individuals affected with NOTCH1-related conditions. Invitae Evidence Modeling of protein sequence and biophysical properties (such as structural, functional, and spatial information, amino acid conservation, physicochemical variation, residue mobility, and thermodynamic stability) indicates that this missense variant is not expected to disrupt NOTCH1 protein function with a negative predictive value of 80%. In summary, the available evidence is currently insufficient to determine the role of this variant in disease. Therefore, it has been classified as a Variant of Uncertain Significance.